The following is an entry in ClinVar:

ClinVar aggregate classification (germline): Uncertain significance. Review status: criteria provided, multiple submitters, no conflicts (2 of 4 stars). 2 submissions from 2 submitters: Uncertain significance (2). Last evaluated 2022-12-08.

Conditions:
Generalized epilepsy-paroxysmal dyskinesia syndrome (PNKD3). Also called: Generalized epilepsy and paroxysmal dyskinesia; Paroxysmal nonkinesigenic dyskinesia, 3, with or without generalized epilepsy. Identifiers: Orphanet 79137, MedGen C5574945, MONDO:0012276, OMIM 609446.

Submissions (2):

Labcorp Genetics (formerly Invitae), Labcorp
Classification: Uncertain significance for Generalized epilepsy-paroxysmal dyskinesia syndrome. Last evaluated: 2022-12-08. Review status: criteria provided, single submitter. Criteria: Invitae Variant Classification Sherloc (09022015). Collection method: clinical testing. Allele origin: germline.
Comment: In summary, the available evidence is currently insufficient to determine the role of this variant in disease. Therefore, it has been classified as a Variant of Uncertain Significance. Advanced modeling of protein sequence and biophysical properties (such as structural, functional, and spatial information, amino acid conservation, physicochemical variation, residue mobility, and thermodynamic stability) performed at Invitae indicates that this missense variant is not expected to disrupt KCNMA1 protein function. This variant has not been reported in the literature in individuals affected with KCNMA1-related conditions. This variant is not present in population databases (gnomAD no frequency). This sequence change replaces asparagine, which is neutral and polar, with serine, which is neutral and polar, at codon 722 of the KCNMA1 protein (p.Asn722Ser).

Revvity Omics, Revvity
Classification: Uncertain significance. Last evaluated: 2021-06-23. Review status: criteria provided, single submitter. Criteria: ACMG Guidelines, 2015. Collection method: clinical testing. Allele origin: germline.

NM_001161352.2(KCNMA1):c.2339A>G (p.Asn780Ser)

Genes: KCNMA1-AS1 (KCNMA1 antisense RNA 1; plus strand), KCNMA1 (potassium calcium-activated channel subfamily M alpha 1; minus strand). Cytogenetic location: 10q22.3.
Variant type: single nucleotide variant.
Coding change: c.2339A>G on transcript NM_001161352.2 (MANE Select); coding-DNA position 2339, A replaced by G.
Protein change: p.Asn780Ser; replaces asparagine 780 with serine.
Molecular consequence: missense variant.
Genome position (GRCh38, 1-based): chr10:76,969,995, T>C on the plus strand (A>G on the coding strand, the complement: KCNMA1 is on the minus strand). VCF-style: chr10-76969995-T-C. GRCh37 (hg19) VCF-style: chr10-78729753-T-C.
Other names: c.2177A>G, p.Asn726Ser (NM_001014797.3, NM_001322835.2, NM_001322837.2); c.2165A>G, p.Asn722Ser (NM_001161353.2, NM_001322832.2, NM_001410940.1 and 1 more transcripts); c.2015A>G, p.Asn672Ser (NM_001271518.2); c.2174A>G, p.Asn725Ser (NM_001271519.2, NM_001322829.2, NM_001322836.2); c.2186A>G, p.Asn729Ser (NM_001322830.2); c.1712A>G, p.Asn571Ser (NM_001322838.2); short protein forms N571S, N672S, N722S, N725S, N726S, N729S, N780S.
Identifiers: ClinVar variation 2433007 (VCV002433007.6), dbSNP rs2550729992, ClinGen allele CA377408351.